The following is an entry in ClinVar:

ClinVar aggregate classification (germline): Uncertain significance (1 of 4 stars; one submission).

Submission:

Labcorp Genetics (formerly Invitae), Labcorp
Classification: Uncertain significance. Last evaluated: 2024-05-01. Review status: criteria provided, single submitter. Criteria: Invitae Variant Classification Sherloc (09022015). Collection method: clinical testing. Allele origin: germline.
Comment: This sequence change replaces proline, which is neutral and non-polar, with leucine, which is neutral and non-polar, at codon 152 of the COL9A3 protein (p.Pro152Leu). This variant is not present in population databases (gnomAD no frequency). This variant has not been reported in the literature in individuals affected with COL9A3-related conditions. Advanced modeling of protein sequence and biophysical properties (such as structural, functional, and spatial information, amino acid conservation, physicochemical variation, residue mobility, and thermodynamic stability) performed at Invitae indicates that this missense variant is not expected to disrupt COL9A3 protein function with a negative predictive value of 95%. In summary, the available evidence is currently insufficient to determine the role of this variant in disease. Therefore, it has been classified as a Variant of Uncertain Significance.

NM_001853.4(COL9A3):c.455C>T (p.Pro152Leu)

Gene: COL9A3 (collagen type IX alpha 3 chain; plus strand). Cytogenetic location: 20q13.33.
Variant type: single nucleotide variant.
Coding change: c.455C>T on transcript NM_001853.4 (MANE Select); coding-DNA position 455, C replaced by T.
Protein change: p.Pro152Leu; replaces proline 152 with leucine.
Molecular consequence: missense variant.
Genome position (GRCh38, 1-based): chr20:62,822,142, C>T. VCF-style: chr20-62822142-C-T. GRCh37 (hg19) VCF-style: chr20-61453494-C-T.
Other names: short protein forms P152L.
Identifiers: ClinVar variation 3637712 (VCV003637712.2).